The following is an entry in ClinVar:

NM_000321.3(RB1):c.38C>G (p.Ala13Gly)

Gene: RB1 (RB transcriptional corepressor 1; plus strand). Cytogenetic location: 13q14.2.
Variant type: single nucleotide variant.
Coding change: c.38C>G on transcript NM_000321.3 (MANE Select); coding-DNA position 38, C replaced by G.
Protein change: p.Ala13Gly; replaces alanine 13 with glycine.
Molecular consequence: missense variant.
Genome position (GRCh38, 1-based): chr13:48,303,950, C>G. VCF-style: chr13-48303950-C-G. GRCh37 (hg19) VCF-style: chr13-48878086-C-G.
Other names: c.38C>G, p.Ala13Gly (NM_001407165.1, NM_001407166.1, NM_001407167.1); short protein forms A13G.
Identifiers: ClinVar variation 1735995 (VCV001735995.2), dbSNP rs2138027251, ClinGen allele CA388250204.

ClinVar aggregate classification (germline): Uncertain significance (1 of 4 stars; one submission).

Conditions:
Hereditary cancer-predisposing syndrome. Also called: Neoplastic Syndromes, Hereditary; Tumor predisposition; Hereditary Cancer Syndrome; Hereditary neoplastic syndrome. Identifiers: Orphanet 140162, MedGen C0027672, MeSH D009386, MONDO:0015356.

Allele frequency attached by ClinVar (database versions not stated): gnomAD exomes below 0.00001.
gnomAD v4.1: 2 of 1,503,506 alleles (0.00013%); highest among the groups gnomAD compares: Non-Finnish European, 0.00018%; no homozygotes.

Submission:

Ambry Genetics
Classification: Uncertain significance for Hereditary cancer-predisposing syndrome. Last evaluated: 2022-01-05. Review status: criteria provided, single submitter. Criteria: Ambry Variant Classification Scheme 2023. Collection method: clinical testing. Allele origin: germline.
Comment: The p.A13G variant (also known as c.38C>G), located in coding exon 1 of the RB1 gene, results from a C to G substitution at nucleotide position 38. The alanine at codon 13 is replaced by glycine, an amino acid with similar properties. This amino acid position is conserved. In addition, the in silico prediction for this alteration is inconclusive. Since supporting evidence is limited at this time, the clinical significance of this alteration remains unclear.